The following is an entry in ClinVar:

NM_022114.4(PRDM16):c.2691+12G>T

Gene: PRDM16 (PR/SET domain 16; plus strand). Cytogenetic location: 1p36.32.
Variant type: single nucleotide variant.
Coding change: c.2691+12G>T on transcript NM_022114.4 (MANE Select); 12 bases into the intron after coding-DNA position 2691, G replaced by T.
Molecular consequence: intron variant.
Genome position (GRCh38, 1-based): chr1:3,414,659, G>T. VCF-style: chr1-3414659-G-T. GRCh37 (hg19) VCF-style: chr1-3331223-G-T.
Other names: c.2691+12G>T (NM_199454.3).
Identifiers: ClinVar variation 509004 (VCV000509004.10), dbSNP rs201371121, ClinGen allele CA544568.

ClinVar aggregate classification (germline): Benign/Likely benign. Review status: criteria provided, multiple submitters, no conflicts (2 of 4 stars). 4 submissions from 4 submitters: Benign (1); Likely benign (3). Last evaluated 2026-01-21.

Conditions:
Left ventricular noncompaction 8 (LVNC8). Identifiers: Orphanet 154, Orphanet 54260, MedGen C3809288, MONDO:0014152, OMIM 615373.

Allele frequency attached by ClinVar (database versions not stated): gnomAD exomes 0.00044 and 0.00070; TOPMed 0.00046; ExAC 0.00051; gnomAD 0.00056 and 0.00059; ESP Exome Variant Server 0.00064.
gnomAD v4.1: 1,086 of 1,608,410 alleles (0.068%); highest among the groups gnomAD compares: Non-Finnish European, 0.087%; no homozygotes.

Submissions (4):

Labcorp Genetics (formerly Invitae), Labcorp
Classification: Likely benign for Left ventricular noncompaction 8. Last evaluated: 2026-01-21. Review status: criteria provided, single submitter. Criteria: Invitae Variant Classification Sherloc (09022015). Collection method: clinical testing. Allele origin: germline.

Blueprint Genetics
Classification: Likely benign. Last evaluated: 2024-11-26. Review status: criteria provided, single submitter. Criteria: ACMG Guidelines, 2015. Collection method: clinical testing. Allele origin: germline.

Women's Health and Genetics/Laboratory Corporation of America, LabCorp
Classification: Benign. Last evaluated: 2024-09-29. Review status: criteria provided, single submitter. Criteria: LabCorp Variant Classification Summary - May 2015. Collection method: clinical testing. Allele origin: germline.

GeneDx
Classification: Likely benign. Last evaluated: 2018-03-13. Review status: criteria provided, single submitter. Criteria: GeneDx Variant Classification (06012015). Collection method: clinical testing. Allele origin: germline. Affected: yes.
Comment: This variant is considered likely benign or benign based on one or more of the following criteria: it is a conservative change, it occurs at a poorly conserved position in the protein, it is predicted to be benign by multiple in silico algorithms, and/or has population frequency not consistent with disease.